The following is an entry in ClinVar:

ClinVar aggregate classification (germline): Likely benign (1 of 4 stars; one submission).

Conditions:
Ehlers-Danlos syndrome, type 4 (EDSVASC). Also called: Ehlers-Danlos Syndrome Type IV; Ehlers-Danlos syndrome vascular type; Ehlers Danlos syndrome, ecchymotic type; Ehlers Danlos syndrome, arterial type; Ehlers Danlos syndrome, Sack-Barabas type. Identifiers: Orphanet 286, MedGen C0268338, MONDO:0017314, OMIM 130050.

Allele frequency attached by ClinVar (database versions not stated): gnomAD exomes below 0.00001.
gnomAD v4.1: 1 of 1,613,960 alleles (0.000062%); highest among the groups gnomAD compares: South Asian, 0.0011%; no homozygotes.

Submission:

All of Us Research Program, National Institutes of Health
Classification: Likely benign for Ehlers-Danlos syndrome, type 4. Last evaluated: 2023-04-03. Review status: criteria provided, single submitter. Criteria: ACMG Guidelines, 2015. Collection method: clinical testing. Allele origin: germline. Inheritance: Autosomal dominant inheritance. Observed: 1 variant allele, 1 heterozygote.
Comment: This study involves interpretation of variants in research participants for the purpose of population health screening. Participant phenotype was not available at the time of variant classification. Additional details can be found in publication PMID: 35346344, PMCID: PMC8962531

NM_000090.4(COL3A1):c.4255-5T>C

Gene: COL3A1 (collagen type III alpha 1 chain; plus strand). Cytogenetic location: 2q32.2.
Variant type: single nucleotide variant.
Coding change: c.4255-5T>C on transcript NM_000090.4 (MANE Select); 5 bases into the intron before coding-DNA position 4255, T replaced by C.
Molecular consequence: intron variant.
Genome position (GRCh38, 1-based): chr2:189,011,623, T>C. VCF-style: chr2-189011623-T-C. GRCh37 (hg19) VCF-style: chr2-189876349-T-C.
Identifiers: ClinVar variation 3070261 (VCV003070261.1), dbSNP rs2469172573, ClinGen allele CA2662311837.
Genomic context (GRCh38, chr2:189,011,623, plus strand): 5'-GTTAAGTCAGAGTTGTCTAAGTAATTGTAATGTCATGATCATGTACATTTTGTCCTTTTT[T>C]ACAGAAACACACTGGGGAATGGAGCAAAACAGTCTTTGAATATCGAACACGCAAGGCTGT-3'